The following is an entry in ClinVar:

NM_000136.3(FANCC):c.-79+1G>A

Gene: FANCC (FA complementation group C; minus strand). Cytogenetic location: 9q22.32.
Variant type: single nucleotide variant.
Coding change: c.-79+1G>A on transcript NM_000136.3 (MANE Select); the canonical splice donor site of the intron after 79 bases upstream of the start codon, G replaced by A.
Molecular consequence: splice donor variant.
Genome position (GRCh38, 1-based): chr9:95,317,525, C>T on the plus strand (G>A on the coding strand, the complement: FANCC is on the minus strand). VCF-style: chr9-95317525-C-T. GRCh37 (hg19) VCF-style: chr9-98079807-C-T.
Other names: c.-79+1G>A (NM_001243744.2).
Identifiers: ClinVar variation 553617 (VCV000553617.5), dbSNP rs1228886763, ClinGen allele CA589497381.

ClinVar aggregate classification (germline): Conflicting classifications of pathogenicity. Review status: criteria provided, conflicting classifications (1 of 4 stars). 3 submissions from 3 submitters: Likely pathogenic (1); Uncertain significance (1). 1 of the submissions does not count toward it. Last evaluated 2022-06-07.

Conditions:
Fanconi anemia (FA). Also called: Fanconi's anemia. Identifiers: Orphanet 84, MedGen C0015625, MeSH D005199, MONDO:0019391.
Fanconi anemia complementation group C (FANCC). Also called: FANCONI PANCYTOPENIA, TYPE 3; FACC; Fanconi anemia, group C; FANCC-Related Fanconi Anemia. Identifiers: Orphanet 84, MedGen C3468041, MONDO:0009213, OMIM 227645.

Allele frequency attached by ClinVar (database versions not stated): gnomAD 0.00001.

Submissions (3):

Labcorp Genetics (formerly Invitae), Labcorp
Classification: Uncertain significance for Fanconi anemia. Last evaluated: 2022-06-07. Review status: criteria provided, single submitter. Criteria: Invitae Variant Classification Sherloc (09022015). Collection method: clinical testing. Allele origin: germline.
Comment: This sequence change falls in intron 1 of the FANCC gene. It does not directly change the encoded amino acid sequence of the FANCC protein. It affects a nucleotide within the consensus splice site. This variant is present in population databases (no rsID available, gnomAD no frequency). This variant has not been reported in the literature in individuals affected with FANCC-related conditions. ClinVar contains an entry for this variant (Variation ID: 553617). Variants that disrupt the consensus splice site are a relatively common cause of aberrant splicing (PMID: 17576681, 9536098). Algorithms developed to predict the effect of sequence changes on RNA splicing suggest that this variant may disrupt the consensus splice site. In summary, the available evidence is currently insufficient to determine the role of this variant in disease. Therefore, it has been classified as a Variant of Uncertain Significance.

Department of Pathology and Laboratory Medicine, Sinai Health System
Classification: Likely pathogenic for Fanconi anemia complementation group C. Review status: criteria provided, single submitter. Criteria: ACMG Guidelines, 2015. Collection method: clinical testing. Allele origin: germline.

Counsyl
Classification: Likely pathogenic for Fanconi anemia complementation group C. Last evaluated: 2017-08-31. Review status: no assertion criteria provided. Collection method: clinical testing. Allele origin: unknown. Not counted in ClinVar's aggregate classification.

Literature cited by the submitters: PubMed 17576681 (cited by Labcorp Genetics (formerly Invitae), Labcorp); PubMed 9536098 (cited by Labcorp Genetics (formerly Invitae), Labcorp).